The following is an entry in ClinVar:

ClinVar aggregate classification (germline): Benign/Likely benign. Review status: criteria provided, multiple submitters, no conflicts (2 of 4 stars). 4 submissions from 4 submitters: Benign (1); Likely benign (3). Last evaluated 2024-10-30.

Conditions:
Hereditary cancer-predisposing syndrome. Also called: Tumor predisposition; Neoplastic Syndromes, Hereditary; Hereditary Cancer Syndrome; Hereditary neoplastic syndrome. Identifiers: Orphanet 140162, MedGen C0027672, MeSH D009386, MONDO:0015356.
Juvenile polyposis syndrome (JPS). Identifiers: Orphanet 2929, MedGen C0345893, MONDO:0017380, OMIM 174900.

Allele frequency attached by ClinVar (database versions not stated): gnomAD exomes below 0.00001.
gnomAD v4.1: 1 of 1,613,990 alleles (0.000062%); highest among the groups gnomAD compares: Non-Finnish European, 0.000085%; no homozygotes.

Submissions (4):

Labcorp Genetics (formerly Invitae), Labcorp
Classification: Likely benign for Juvenile polyposis syndrome. Last evaluated: 2024-10-30. Review status: criteria provided, single submitter. Criteria: Invitae Variant Classification Sherloc (09022015). Collection method: clinical testing. Allele origin: germline.

Myriad Genetics, Inc.
Classification: Benign for Juvenile polyposis syndrome. Last evaluated: 2024-08-05. Review status: criteria provided, single submitter. Criteria: Myriad Autosomal Dominant, Autosomal Recessive and X-Linked Classification Criteria (2023). Collection method: clinical testing. Allele origin: unknown.
Comment: This variant is considered benign. This variant is a silent/synonymous amino acid change and it is not expected to impact splicing.

Color Diagnostics, LLC DBA Color Health
Classification: Likely benign for Hereditary cancer-predisposing syndrome. Last evaluated: 2022-11-06. Review status: criteria provided, single submitter. Criteria: ACMG Guidelines, 2015. Collection method: clinical testing. Allele origin: germline.

Ambry Genetics
Classification: Likely benign for Hereditary cancer-predisposing syndrome. Last evaluated: 2016-07-07. Review status: criteria provided, single submitter. Criteria: Ambry Variant Classification Scheme 2023. Collection method: clinical testing. Allele origin: germline.

NM_004329.3(BMPR1A):c.909T>C (p.Thr303=)

Gene: BMPR1A (bone morphogenetic protein receptor type 1A; plus strand). Cytogenetic location: 10q23.2.
Variant type: single nucleotide variant.
Coding change: c.909T>C on transcript NM_004329.3 (MANE Select); coding-DNA position 909, T replaced by C.
Protein change: p.Thr303=; no amino-acid change (threonine 303 retained).
Molecular consequence: synonymous variant.
Genome position (GRCh38, 1-based): chr10:86,919,212, T>C. VCF-style: chr10-86919212-T-C. GRCh37 (hg19) VCF-style: chr10-88678969-T-C.
Identifiers: ClinVar variation 486812 (VCV000486812.18), dbSNP rs1554891026, ClinGen allele CA470372657.